The following is an entry in ClinVar:

NM_005544.3(IRS1):c.2061C>T (p.Asn687=)

Gene: IRS1 (insulin receptor substrate 1; minus strand). Cytogenetic location: 2q36.3.
Variant type: single nucleotide variant.
Coding change: c.2061C>T on transcript NM_005544.3 (MANE Select); coding-DNA position 2061, C replaced by T.
Protein change: p.Asn687=; no amino-acid change (asparagine 687 retained).
Molecular consequence: synonymous variant.
Genome position (GRCh38, 1-based): chr2:226,796,678, G>A on the plus strand (C>T on the coding strand, the complement: IRS1 is on the minus strand). VCF-style: chr2-226796678-G-A. GRCh37 (hg19) VCF-style: chr2-227661394-G-A.
Identifiers: ClinVar variation 741608 (VCV000741608.6), dbSNP rs757010026, ClinGen allele CA2143189.

ClinVar aggregate classification (germline): Likely benign. Review status: criteria provided, multiple submitters, no conflicts (2 of 4 stars). 3 submissions from 3 submitters: Likely benign (2). 1 of the submissions does not count toward it. Last evaluated 2023-10-13.

Conditions:
IRS1-related disorder. Also called: IRS1-related condition.

Allele frequency attached by ClinVar (database versions not stated): TOPMed 0.00001; gnomAD 0.00002; ExAC 0.00003; gnomAD exomes 0.00003.

Submissions (3):

Blueprint Genetics
Classification: Likely benign. Last evaluated: 2023-10-13. Review status: criteria provided, single submitter. Criteria: ACMG Guidelines, 2015. Collection method: clinical testing. Allele origin: germline.

Labcorp Genetics (formerly Invitae), Labcorp
Classification: Likely benign. Last evaluated: 2018-04-06. Review status: criteria provided, single submitter. Criteria: Invitae Variant Classification Sherloc (09022015). Collection method: clinical testing. Allele origin: germline.

PreventionGenetics, part of Exact Sciences
Classification: Likely benign for IRS1-related condition. Last evaluated: 2019-10-28. Review status: no assertion criteria provided. Collection method: clinical testing. Allele origin: germline. Not counted in ClinVar's aggregate classification.
Comment: This variant is classified as likely benign based on ACMG/AMP sequence variant interpretation guidelines (Richards et al. 2015 PMID: 25741868, with internal and published modifications).